The following continues an entry in ClinVar:

NM_000852.4(GSTP1):c.341C>T (p.Ala114Val)

Gene: GSTP1. ClinVar aggregate classification (germline): Benign. Benign (2).

Submissions 33 to 62 of 62:

Dr. Peter K. Rogan Lab, Western University
No classification provided (evidence only). Condition: Thymoma. Review status: no classification provided. Collection method: in vitro. Allele origin: not applicable. Functional consequence: skipped exon. Not counted in ClinVar's aggregate classification.

Dr. Peter K. Rogan Lab, Western University
No classification provided (evidence only). Condition: Thymoma. Review status: no classification provided. Collection method: in vitro. Allele origin: not applicable. Functional consequence: skipped exon, retained intron. Not counted in ClinVar's aggregate classification.

Dr. Peter K. Rogan Lab, Western University
No classification provided (evidence only). Condition: Thymoma. Review status: no classification provided. Collection method: in vitro. Allele origin: not applicable. Functional consequence: skipped exon. Not counted in ClinVar's aggregate classification.

Dr. Peter K. Rogan Lab, Western University
No classification provided (evidence only). Condition: Thymoma. Review status: no classification provided. Collection method: in vitro. Allele origin: not applicable. Functional consequence: skipped exon. Not counted in ClinVar's aggregate classification.

Dr. Peter K. Rogan Lab, Western University
No classification provided (evidence only). Condition: Thymoma. Review status: no classification provided. Collection method: in vitro. Allele origin: not applicable. Functional consequence: skipped exon. Not counted in ClinVar's aggregate classification.

Dr. Peter K. Rogan Lab, Western University
No classification provided (evidence only). Condition: Thymoma. Review status: no classification provided. Collection method: in vitro. Allele origin: not applicable. Functional consequence: skipped exon. Not counted in ClinVar's aggregate classification.

Dr. Peter K. Rogan Lab, Western University
No classification provided (evidence only). Condition: Thymoma. Review status: no classification provided. Collection method: in vitro. Allele origin: not applicable. Functional consequence: skipped exon. Not counted in ClinVar's aggregate classification.

Dr. Peter K. Rogan Lab, Western University
No classification provided (evidence only). Condition: Thymoma. Review status: no classification provided. Collection method: in vitro. Allele origin: not applicable. Functional consequence: skipped exon. Not counted in ClinVar's aggregate classification.

Dr. Peter K. Rogan Lab, Western University
No classification provided (evidence only). Condition: Thymoma. Review status: no classification provided. Collection method: in vitro. Allele origin: not applicable. Functional consequence: skipped exon, retained intron. Not counted in ClinVar's aggregate classification.

Dr. Peter K. Rogan Lab, Western University
No classification provided (evidence only). Condition: Thymoma. Review status: no classification provided. Collection method: in vitro. Allele origin: not applicable. Functional consequence: skipped exon. Not counted in ClinVar's aggregate classification.

Dr. Peter K. Rogan Lab, Western University
No classification provided (evidence only). Condition: Cholangiocarcinoma. Review status: no classification provided. Collection method: in vitro. Allele origin: not applicable. Functional consequence: skipped exon. Not counted in ClinVar's aggregate classification.

Dr. Peter K. Rogan Lab, Western University
No classification provided (evidence only). Condition: Cholangiocarcinoma. Review status: no classification provided. Collection method: in vitro. Allele origin: not applicable. Functional consequence: skipped exon. Not counted in ClinVar's aggregate classification.

Dr. Peter K. Rogan Lab, Western University
No classification provided (evidence only). Condition: Cholangiocarcinoma. Review status: no classification provided. Collection method: in vitro. Allele origin: not applicable. Functional consequence: skipped exon. Not counted in ClinVar's aggregate classification.

Dr. Peter K. Rogan Lab, Western University
No classification provided (evidence only). Condition: Uterine carcinosarcoma. Review status: no classification provided. Collection method: in vitro. Allele origin: not applicable. Functional consequence: skipped exon. Not counted in ClinVar's aggregate classification.

Dr. Peter K. Rogan Lab, Western University
No classification provided (evidence only). Condition: Uterine carcinosarcoma. Review status: no classification provided. Collection method: in vitro. Allele origin: not applicable. Functional consequence: skipped exon. Not counted in ClinVar's aggregate classification.

Dr. Peter K. Rogan Lab, Western University
No classification provided (evidence only). Condition: Uterine carcinosarcoma. Review status: no classification provided. Collection method: in vitro. Allele origin: not applicable. Functional consequence: skipped exon. Not counted in ClinVar's aggregate classification.

Dr. Peter K. Rogan Lab, Western University
No classification provided (evidence only). Condition: Uterine carcinosarcoma. Review status: no classification provided. Collection method: in vitro. Allele origin: not applicable. Functional consequence: skipped exon. Not counted in ClinVar's aggregate classification.

Dr. Peter K. Rogan Lab, Western University
No classification provided (evidence only). Condition: Uterine carcinosarcoma. Review status: no classification provided. Collection method: in vitro. Allele origin: not applicable. Functional consequence: skipped exon. Not counted in ClinVar's aggregate classification.

Dr. Peter K. Rogan Lab, Western University
No classification provided (evidence only). Condition: Uveal melanoma. Review status: no classification provided. Collection method: in vitro. Allele origin: not applicable. Functional consequence: skipped exon. Not counted in ClinVar's aggregate classification.

Dr. Peter K. Rogan Lab, Western University
No classification provided (evidence only). Condition: Uveal melanoma. Review status: no classification provided. Collection method: in vitro. Allele origin: not applicable. Functional consequence: skipped exon, retained intron. Not counted in ClinVar's aggregate classification.

Dr. Peter K. Rogan Lab, Western University
No classification provided (evidence only). Condition: Uveal melanoma. Review status: no classification provided. Collection method: in vitro. Allele origin: not applicable. Functional consequence: skipped exon. Not counted in ClinVar's aggregate classification.

Dr. Peter K. Rogan Lab, Western University
No classification provided (evidence only). Condition: Uveal melanoma. Review status: no classification provided. Collection method: in vitro. Allele origin: not applicable. Functional consequence: skipped exon. Not counted in ClinVar's aggregate classification.

Dr. Peter K. Rogan Lab, Western University
No classification provided (evidence only). Condition: Uveal melanoma. Review status: no classification provided. Collection method: in vitro. Allele origin: not applicable. Functional consequence: skipped exon, retained intron. Not counted in ClinVar's aggregate classification.

Dr. Peter K. Rogan Lab, Western University
No classification provided (evidence only). Condition: Malignant tumor of esophagus. Review status: no classification provided. Collection method: in vitro. Allele origin: not applicable. Functional consequence: skipped exon, retained intron. Not counted in ClinVar's aggregate classification.

Dr. Peter K. Rogan Lab, Western University
No classification provided (evidence only). Condition: Malignant tumor of esophagus. Review status: no classification provided. Collection method: in vitro. Allele origin: not applicable. Functional consequence: skipped exon. Not counted in ClinVar's aggregate classification.

Dr. Peter K. Rogan Lab, Western University
No classification provided (evidence only). Condition: Malignant tumor of esophagus. Review status: no classification provided. Collection method: in vitro. Allele origin: not applicable. Functional consequence: skipped exon. Not counted in ClinVar's aggregate classification.

Dr. Peter K. Rogan Lab, Western University
No classification provided (evidence only). Condition: Malignant tumor of esophagus. Review status: no classification provided. Collection method: in vitro. Allele origin: not applicable. Functional consequence: skipped exon. Not counted in ClinVar's aggregate classification.

Dr. Peter K. Rogan Lab, Western University
No classification provided (evidence only). Condition: Malignant tumor of esophagus. Review status: no classification provided. Collection method: in vitro. Allele origin: not applicable. Functional consequence: skipped exon. Not counted in ClinVar's aggregate classification.

Dr. Peter K. Rogan Lab, Western University
No classification provided (evidence only). Condition: Malignant tumor of esophagus. Review status: no classification provided. Collection method: in vitro. Allele origin: not applicable. Functional consequence: skipped exon. Not counted in ClinVar's aggregate classification.

Dr. Peter K. Rogan Lab, Western University
No classification provided (evidence only). Condition: Malignant tumor of esophagus. Review status: no classification provided. Collection method: in vitro. Allele origin: not applicable. Functional consequence: skipped exon. Not counted in ClinVar's aggregate classification.